The following is an entry in ClinVar:

NM_001876.4(CPT1A):c.1664G>A (p.Gly555Asp)

Gene: CPT1A (carnitine palmitoyltransferase 1A; minus strand). Cytogenetic location: 11q13.3.
Variant type: single nucleotide variant.
Coding change: c.1664G>A on transcript NM_001876.4 (MANE Select); coding-DNA position 1664, G replaced by A.
Protein change: p.Gly555Asp; replaces glycine 555 with aspartic acid.
Molecular consequence: missense variant.
Genome position (GRCh38, 1-based): chr11:68,773,341, C>T on the plus strand (G>A on the coding strand, the complement: CPT1A is on the minus strand). VCF-style: chr11-68773341-C-T. GRCh37 (hg19) VCF-style: chr11-68540809-C-T.
Other names: c.1664G>A, p.Gly555Asp (NM_001031847.3); short protein forms G555D.
Identifiers: ClinVar variation 591230 (VCV000591230.4), dbSNP rs1566348991, ClinGen allele CA381628752.

ClinVar aggregate classification (germline): Uncertain significance. Review status: criteria provided, single submitter (1 of 4 stars). 2 submissions from 2 submitters: Uncertain significance (1). 1 of the submissions does not count toward it. Last evaluated 2024-03-18.

Conditions:
Carnitine palmitoyl transferase 1A deficiency. Also called: CPT deficiency, hepatic, type IA; CPT I DEFICIENCY; CPT DEFICIENCY, HEPATIC, TYPE I; Carnitine palmitoyltransferase type I deficiency; Carnitine palmitoyltransferase 1A deficiency. Identifiers: Orphanet 156, MedGen C1829703, MONDO:0009705, OMIM 255120.

Submissions (2):

Labcorp Genetics (formerly Invitae), Labcorp
Classification: Uncertain significance for Carnitine palmitoyl transferase 1A deficiency. Last evaluated: 2024-03-18. Review status: criteria provided, single submitter. Criteria: Invitae Variant Classification Sherloc (09022015). Collection method: clinical testing. Allele origin: germline.
Comment: This sequence change replaces glycine, which is neutral and non-polar, with aspartic acid, which is acidic and polar, at codon 555 of the CPT1A protein (p.Gly555Asp). This variant is not present in population databases (gnomAD no frequency). This variant has not been reported in the literature in individuals affected with CPT1A-related conditions. ClinVar contains an entry for this variant (Variation ID: 591230). Advanced modeling of protein sequence and biophysical properties (such as structural, functional, and spatial information, amino acid conservation, physicochemical variation, residue mobility, and thermodynamic stability) has been performed at Invitae for this missense variant, however the output from this modeling did not meet the statistical confidence thresholds required to predict the impact of this variant on CPT1A protein function. In summary, the available evidence is currently insufficient to determine the role of this variant in disease. Therefore, it has been classified as a Variant of Uncertain Significance.

Gharavi Laboratory, Columbia University
Classification: Uncertain significance. Last evaluated: 2018-09-16. Review status: no assertion criteria provided. Criteria: ACMG Guidelines, 2015. Collection method: research. Allele origin: germline. Affected: yes. Not counted in ClinVar's aggregate classification.